The following is an entry in ClinVar:

NM_001277115.2(DNAH11):c.12124A>G (p.Ile4042Val)

Gene: DNAH11 (dynein axonemal heavy chain 11; plus strand). Cytogenetic location: 7p15.3.
Variant type: single nucleotide variant.
Coding change: c.12124A>G on transcript NM_001277115.2 (MANE Select); coding-DNA position 12124, A replaced by G.
Protein change: p.Ile4042Val; replaces isoleucine 4042 with valine.
Molecular consequence: missense variant.
Genome position (GRCh38, 1-based): chr7:21,873,430, A>G. VCF-style: chr7-21873430-A-G. GRCh37 (hg19) VCF-style: chr7-21913048-A-G.
Other names: c.12145A>G, p.Ile4049Val (NM_003777.3); short protein forms I4042V, I4049V.
Identifiers: ClinVar variation 1750579 (VCV001750579.2), dbSNP rs1472680257, ClinGen allele CA366963274.

ClinVar aggregate classification (germline): Uncertain significance (1 of 4 stars; one submission).

Conditions:
Primary ciliary dyskinesia. Also called: Ciliary dyskinesia. Identifiers: Orphanet 244, MedGen C0008780, MONDO:0016575, HP:0012265.

Allele frequency attached by ClinVar (database versions not stated): gnomAD exomes below 0.00001; TOPMed below 0.00001; gnomAD 0.00003.
gnomAD v4.1: 6 of 1,613,866 alleles (0.00037%); highest among the groups gnomAD compares: Admixed American, 0.0067%; no homozygotes.

Submission:

Ambry Genetics
Classification: Uncertain significance for Primary ciliary dyskinesia. Last evaluated: 2022-07-03. Review status: criteria provided, single submitter. Criteria: Ambry Variant Classification Scheme 2023. Collection method: clinical testing. Allele origin: germline.
Comment: The p.I4042V variant (also known as c.12124A>G), located in coding exon 74 of the DNAH11 gene, results from an A to G substitution at nucleotide position 12124. The isoleucine at codon 4042 is replaced by valine, an amino acid with highly similar properties. This amino acid position is conserved. In addition, this alteration is predicted to be tolerated by in silico analysis. Since supporting evidence is limited at this time, the clinical significance of this alteration remains unclear.